The following is an entry in ClinVar:

ClinVar aggregate classification (germline): Uncertain significance. Review status: criteria provided, multiple submitters, no conflicts (2 of 4 stars). 3 submissions from 3 submitters: Uncertain significance (3). Last evaluated 2025-10-10.

Conditions:
Charcot-Marie-Tooth disease type 2. Also called: Charcot-Marie-Tooth type 2. Identifiers: Orphanet 64746, MedGen C0270914, MONDO:0018993.
Inborn genetic diseases. Identifiers: MedGen C0950123, MeSH D030342.
AARS1-related disorder. Also called: AARS1-related condition.

Allele frequency attached by ClinVar (database versions not stated): 1000 Genomes Project 0.00020; 1000 Genomes Project 30x 0.00016.

Submissions (3):

Labcorp Genetics (formerly Invitae), Labcorp
Classification: Uncertain significance for Charcot-Marie-Tooth disease type 2. Last evaluated: 2025-10-10. Review status: criteria provided, single submitter. Criteria: Invitae Variant Classification Sherloc (09022015). Collection method: clinical testing. Allele origin: germline.
Comment: This sequence change replaces threonine, which is neutral and polar, with methionine, which is neutral and non-polar, at codon 181 of the AARS protein (p.Thr181Met). This variant is present in population databases (rs202099051, gnomAD 0.006%). This variant has not been reported in the literature in individuals affected with AARS-related conditions. ClinVar contains an entry for this variant (Variation ID: 2073606). Invitae Evidence Modeling of protein sequence and biophysical properties (such as structural, functional, and spatial information, amino acid conservation, physicochemical variation, residue mobility, and thermodynamic stability) has been performed for this missense variant. However, the output from this modeling did not meet the statistical confidence thresholds required to predict the impact of this variant on AARS protein function. In summary, the available evidence is currently insufficient to determine the role of this variant in disease. Therefore, it has been classified as a Variant of Uncertain Significance.

Ambry Genetics
Classification: Uncertain significance for Inborn genetic diseases. Last evaluated: 2023-11-27. Review status: criteria provided, single submitter. Criteria: Ambry Variant Classification Scheme 2023. Collection method: clinical testing. Allele origin: germline.

PreventionGenetics, part of Exact Sciences
Classification: Uncertain significance for AARS1-related condition. Last evaluated: 2022-11-14. Review status: criteria provided, single submitter. Criteria: ACMG Guidelines, 2015. Collection method: clinical testing. Allele origin: germline.
Comment: The AARS1 c.542C>T variant is predicted to result in the amino acid substitution p.Thr181Met. To our knowledge, this variant has not been reported in the literature. This variant is reported in 0.0054% of alleles in individuals of East Asian descent in gnomAD. At this time, the clinical significance of this variant is uncertain due to the absence of conclusive functional and genetic evidence.

NM_001605.3(AARS1):c.542C>T (p.Thr181Met)

Gene: AARS1 (alanyl-tRNA synthetase 1; minus strand). Cytogenetic location: 16q22.1.
Variant type: single nucleotide variant.
Coding change: c.542C>T on transcript NM_001605.3 (MANE Select); coding-DNA position 542, C replaced by T.
Protein change: p.Thr181Met; replaces threonine 181 with methionine.
Molecular consequence: missense variant.
Genome position (GRCh38, 1-based): chr16:70,271,910, G>A on the plus strand (C>T on the coding strand, the complement: AARS1 is on the minus strand). VCF-style: chr16-70271910-G-A. GRCh37 (hg19) VCF-style: chr16-70305813-G-A.
Other names: short protein forms T181M.
Identifiers: ClinVar variation 2073606 (VCV002073606.6), dbSNP rs202099051, ClinGen allele CA8141109.